The following is an entry in ClinVar:

ClinVar aggregate classification (germline): Pathogenic (1 of 4 stars; one submission).

Conditions:
Neurofibromatosis, type 1 (NF1). Also called: VON RECKLINGHAUSEN DISEASE; NEUROFIBROMATOSIS, TYPE I, SOMATIC; Peripheral type neurofibromatosis; Neurofibromatosis, type I. Identifiers: Orphanet 636, MedGen C0027831, MONDO:0018975, OMIM 162200. Disease mechanism: loss of function.

Submission:

Labcorp Genetics (formerly Invitae), Labcorp
Classification: Pathogenic for Neurofibromatosis, type 1. Last evaluated: 2023-02-20. Review status: criteria provided, single submitter. Criteria: Invitae Variant Classification Sherloc (09022015). Collection method: clinical testing. Allele origin: germline.
Comment: For these reasons, this variant has been classified as Pathogenic. ClinVar contains an entry for this variant (Variation ID: 949779). This premature translational stop signal has been observed in individual(s) with a diagnosis or suspicion of neurofibromatosis type 1 (PMID: 24789688). This variant is not present in population databases (gnomAD no frequency). This sequence change creates a premature translational stop signal (p.Lys1423*) in the NF1 gene. It is expected to result in an absent or disrupted protein product. Loss-of-function variants in NF1 are known to be pathogenic (PMID: 10712197, 23913538).

Literature cited by the submitters: PubMed 24789688; PubMed 10712197; PubMed 23913538.

NM_001042492.3(NF1):c.4330A>T (p.Lys1444Ter)

Gene: NF1 (neurofibromin 1; plus strand). Cytogenetic location: 17q11.2.
Variant type: single nucleotide variant.
Coding change: c.4330A>T on transcript NM_001042492.3 (MANE Select); coding-DNA position 4330, A replaced by T.
Protein change: p.Lys1444Ter; replaces lysine 1444 with a stop codon.
Molecular consequence: nonsense.
Genome position (GRCh38, 1-based): chr17:31,258,500, A>T. VCF-style: chr17-31258500-A-T. GRCh37 (hg19) VCF-style: chr17-29585518-A-T.
Other names: c.4267A>T, p.Lys1423Ter (NM_000267.4); short protein forms K1444*, K1423*.
Identifiers: ClinVar variation 949779 (VCV000949779.6), dbSNP rs137854550, ClinGen allele CA398998173.
Genomic context (GRCh38, chr17:31,258,500, plus strand): 5'-GCAGGGATTTTAGATAAAAAGCCACCACCTAGAATCGAAAGGGGCTTGAAGTTAATGTCA[A>T]AGGTGAATTATTTTGATAATCTAGCTATCTTAAATTCCCCTTCCAACTAAATTTTCAGCT-3'